The following is an entry in ClinVar:

NM_032043.3(BRIP1):c.2905A>C (p.Asn969His)

Gene: BRIP1 (BRCA1 interacting DNA helicase 1; minus strand). Cytogenetic location: 17q23.2.
Variant type: single nucleotide variant.
Coding change: c.2905A>C on transcript NM_032043.3 (MANE Select); coding-DNA position 2905, A replaced by C.
Protein change: p.Asn969His; replaces asparagine 969 with histidine.
Molecular consequence: missense variant.
Genome position (GRCh38, 1-based): chr17:61,685,836, T>G on the plus strand (A>C on the coding strand, the complement: BRIP1 is on the minus strand). VCF-style: chr17-61685836-T-G. GRCh37 (hg19) VCF-style: chr17-59763197-T-G.
Other names: short protein forms N969H.
Identifiers: ClinVar variation 3761047 (VCV003761047.2).

ClinVar aggregate classification (germline): Uncertain significance (1 of 4 stars; one submission).

Conditions:
Fanconi anemia complementation group J. Also called: BRIP1-Related Fanconi Anemia. Identifiers: Orphanet 84, MedGen C1836860, MONDO:0012187, OMIM 609054.
Familial cancer of breast. Also called: BREAST CANCER, FAMILIAL; Hereditary breast cancer; hereditary breast carcinoma. Identifiers: Orphanet 227535, MedGen C0346153, MONDO:0016419, OMIM 114480. Disease mechanism: loss of function.

Submission:

Labcorp Genetics (formerly Invitae), Labcorp
Classification: Uncertain significance for Familial cancer of breast; Fanconi anemia complementation group J. Last evaluated: 2024-06-04. Review status: criteria provided, single submitter. Criteria: Invitae Variant Classification Sherloc (09022015). Collection method: clinical testing. Allele origin: germline.
Comment: This sequence change replaces asparagine, which is neutral and polar, with histidine, which is basic and polar, at codon 969 of the BRIP1 protein (p.Asn969His). This variant is not present in population databases (gnomAD no frequency). This variant has not been reported in the literature in individuals affected with BRIP1-related conditions. Algorithms developed to predict the effect of missense changes on protein structure and function output the following: SIFT: "Not Available"; PolyPhen-2: "Benign"; Align-GVGD: "Not Available". The histidine amino acid residue is found in multiple mammalian species, which suggests that this missense change does not adversely affect protein function. In summary, the available evidence is currently insufficient to determine the role of this variant in disease. Therefore, it has been classified as a Variant of Uncertain Significance.